The following is an entry in ClinVar:

NM_024514.5(CYP2R1):c.120_128del (p.40PPG[1])

Genes: CYP2R1 (cytochrome P450 family 2 subfamily R member 1; minus strand), PDE3B (phosphodiesterase 3B; plus strand). Cytogenetic location: 11p15.2.
Variant type: Deletion.
Coding change: c.120_128del on transcript NM_024514.5 (MANE Select); coding-DNA positions 120 to 128, 9 bases deleted (CCCGGGGCC; older notation c.120_128delCCCGGGGCC).
Protein change: p.40PPG[1].
Molecular consequence: inframe deletion. On other transcripts: intron variant (3).
Genome position (GRCh38, 1-based): chr11:14,892,078-14,892,086, GGCCCCGGG deleted on the plus strand (CCCGGGGCC on the coding strand, the reverse complement: CYP2R1 is on the minus strand); deleting any 9 consecutive bases within chr11:14,892,078-14,892,088 gives the same sequence; the c. name uses the placement nearest the transcript's 3' end. VCF-style (leftmost placement, unchanged base first): chr11-14892077-CGGCCCCGGG-C. GRCh37 (hg19) VCF-style: chr11-14913623-CGGCCCCGGG-C.
Other names: c.2887-6865_2887-6857del (NM_001429700.1); c.2887-6876_2887-6868del (NM_001429699.1); c.-121+279_-121+287del (NM_001400558.1).
Identifiers: ClinVar variation 5016957 (VCV005016957.1).

ClinVar aggregate classification (germline): Uncertain significance (1 of 4 stars; one submission).

Submission:

GeneDx
Classification: Uncertain significance. Last evaluated: 2026-04-01. Review status: criteria provided, single submitter. Criteria: GeneDx Variant Classification Process June 2021. Collection method: clinical testing. Allele origin: germline.
Comment: In-frame deletion of 3 amino acid(s) in a non-repeat region; Not observed at significant frequency in large population cohorts (gnomAD); In silico analysis suggests that this variant does not alter protein structure/function; Has not been previously published as pathogenic or benign to our knowledge